The following is an entry in ClinVar:

ClinVar aggregate classification (germline): Pathogenic. Review status: reviewed by expert panel (3 of 4 stars). 7 submissions from 7 submitters: Pathogenic (1). 6 of the submissions do not count toward it. Last evaluated 2025-12-05.

Conditions:
ABCA4-related retinopathy. Also called: ABCA4 retinoapthy; ABCA4-related retinoapthy. Identifiers: MedGen CN322612, MONDO:0800406.
Stargardt disease (FFM). Also called: Stargardt's disease; Fundus flavimaculatus. Identifiers: Orphanet 827, MedGen C0271093, MONDO:0019353.
ABCA4-related disorder. Also called: ABCA4-related disorders; ABCA4-related condition. Identifiers: MedGen CN239167.
Retinitis pigmentosa 19 (RP19). Also called: ABCA4-Related Retinitis Pigmentosa. Identifiers: Orphanet 791, MedGen C1866422, MONDO:0011137, OMIM 601718.
Retinal dystrophy. Also called: Inherited retinal dystrophy. Identifiers: Orphanet 71862, MedGen C0854723, MeSH D058499, MONDO:0019118, HP:0000556.

Allele frequency attached by ClinVar (database versions not stated): gnomAD exomes below 0.00001; TOPMed below 0.00001; ExAC 0.00001; gnomAD 0.00001.

Submissions (7):

ClinGen ABCA4 Variant Curation Expert Panel, Clingen
Classification: Pathogenic for ABCA4-related retinopathy. Last evaluated: 2025-12-05. Review status: reviewed by expert panel. Criteria: ClinGen ABCA4 ACMG Specifications V1.0.0. Collection method: curation. Allele origin: germline. Inheritance: Autosomal recessive inheritance.
Comment: The NM_000350.3:c.834del (p.Asp279IlefsTer21) variant in ABCA4 is a frameshift variant predicted to cause a premature stop codon in biologically relevant exon 7/50 leading to nonsense mediated decay in a gene in which loss-of-function is an established disease mechanism (PVS1). The total minor allele frequency in gnomAD v4.1.0 is 0.000001240 (2/1612892 alleles), which is lower than the ClinGen ABCA4 VCEP’s threshold for PM2_Supporting (<0.0001). The prevalence of the variant in affected individuals is significantly increased compared with the prevalence in controls with an OR of infinity and the CI is 10.92-infinity, which is above the ABCA4 VCEP threshold of ≥5, where the CI does not contain 1 (PS4; PMID: 35120629). In summary, this variant meets the criteria to be classified as pathogenic for ABCA4-related retinopathy based on the ACMG/AMP criteria applied, as specified by the ClinGen ABCA4 VCEP (Specification Version 1.0): PVS1, PS4, PM2_Supporting.

Labcorp Genetics (formerly Invitae), Labcorp
Classification: Pathogenic. Last evaluated: 2025-04-17. Review status: criteria provided, single submitter. Criteria: Invitae Variant Classification Sherloc (09022015). Collection method: clinical testing. Allele origin: germline. Not counted in ClinVar's aggregate classification.
Comment: This sequence change creates a premature translational stop signal (p.Asp279Ilefs*21) in the ABCA4 gene. It is expected to result in an absent or disrupted protein product. Loss-of-function variants in ABCA4 are known to be pathogenic (PMID: 10958761, 24938718, 25312043, 26780318). This variant is present in population databases (rs779743222, gnomAD 0.007%). This variant has not been reported in the literature in individuals affected with ABCA4-related conditions. ClinVar contains an entry for this variant (Variation ID: 812208). For these reasons, this variant has been classified as Pathogenic.

GeneDx
Classification: Pathogenic. Last evaluated: 2025-03-12. Review status: criteria provided, single submitter. Criteria: GeneDx Variant Classification Process June 2021. Collection method: clinical testing. Allele origin: germline. Affected: yes. Not counted in ClinVar's aggregate classification.
Comment: Identified phase unknown with likely pathogenic/pathogenic variants in patients with ABCA4-related disorders referred for genetic testing at GeneDx and in published literature (PMID: 29925512, 38219857); Frameshift variant predicted to result in protein truncation or nonsense mediated decay in a gene for which loss-of-function is a known mechanism of disease; Not observed at significant frequency in large population cohorts (gnomAD); This variant is associated with the following publications: (PMID: 35120629, 31964843, 32307445, 34758253, 29925512, 38219857)

Blueprint Genetics
Classification: Pathogenic for ABCA4-related disorders. Last evaluated: 2022-03-02. Review status: criteria provided, single submitter. Criteria: ACMG Guidelines, 2015. Collection method: clinical testing. Allele origin: germline. Affected: yes. Observed: 4 variant alleles. Not counted in ClinVar's aggregate classification.

Institute of Human Genetics, Univ. Regensburg, Univ. Regensburg
Classification: Pathogenic for Retinal dystrophy. Last evaluated: 2021-01-01. Review status: criteria provided, single submitter. Criteria: ACMG Guidelines, 2015. Collection method: clinical testing. Allele origin: germline. Affected: yes. Not counted in ClinVar's aggregate classification.

Sharon lab, Hadassah-Hebrew University Medical Center
Classification: Pathogenic for Stargardt disease. Last evaluated: 2019-06-23. Review status: no assertion criteria provided. Collection method: research. Allele origin: inherited. Affected: yes. Not counted in ClinVar's aggregate classification.

Genomics England Pilot Project, Genomics England
Classification: Likely pathogenic for Retinitis pigmentosa 19. Review status: no assertion criteria provided. Criteria: ACGS Guidelines, 2016. Collection method: clinical testing. Allele origin: germline. Affected: yes. Not counted in ClinVar's aggregate classification.

Literature cited by the submitters: PubMed 10958761 (cited by Labcorp Genetics (formerly Invitae), Labcorp); PubMed 24938718 (cited by Labcorp Genetics (formerly Invitae), Labcorp); PubMed 25312043 (cited by Labcorp Genetics (formerly Invitae), Labcorp); PubMed 26780318 (cited by Labcorp Genetics (formerly Invitae), Labcorp); PubMed 29925512 (cited by Institute of Human Genetics, Univ. Regensburg, Univ. Regensburg); PubMed 31964843 (cited by Institute of Human Genetics, Univ. Regensburg, Univ. Regensburg); PubMed 32307445 (cited by Institute of Human Genetics, Univ. Regensburg, Univ. Regensburg); PubMed 34758253 (cited by Institute of Human Genetics, Univ. Regensburg, Univ. Regensburg).

NM_000350.3(ABCA4):c.834del (p.Asp279fs)

Gene: ABCA4 (ATP binding cassette subfamily A member 4; minus strand). Cytogenetic location: 1p22.1.
Variant type: Deletion.
Coding change: c.834del on transcript NM_000350.3 (MANE Select); coding-DNA position 834, one base deleted (T; older notation c.834delT).
Protein change: p.Asp279fs; shifts the reading frame from aspartic acid 279.
Molecular consequence: frameshift variant.
Genome position (GRCh38, 1-based): chr1:94,083,376, A deleted on the plus strand (T on the coding strand, the reverse complement: ABCA4 is on the minus strand). VCF-style (leftmost placement, unchanged base first): chr1-94083375-CA-C. GRCh37 (hg19) VCF-style: chr1-94548931-CA-C.
Other names: NM_000350.3(ABCA4):c.834del; p.Asp279fs; c.834delT (NM_000350.2); c.834delT, p.Asp279Ilefs (NM_001425324.1); short protein forms D279fs.
Identifiers: ClinVar variation 812208 (VCV000812208.17), dbSNP rs779743222, ClinGen allele CA958713.
Genomic context (GRCh38, chr1:94,083,375, plus strand): 5'-ATAATGAAATTATAATTACTACCATCAGGCTACTCACCTCTTGAATTCTTGGTGACATAT[CA>C]GATAATATTCCTCCCCAAGATCTCAGATTGATACCTTGAGAACGGCTGTCTAGGAGTGTG-3'